The following is an entry in ClinVar:

ClinVar aggregate classification (germline): Likely benign (0 of 4 stars; one submission).

Conditions:
THRB-related disorder. Also called: THRB-related condition.

Allele frequency attached by ClinVar (database versions not stated): ExAC 0.00001; gnomAD 0.00001; gnomAD exomes 0.00002.
gnomAD v4.1: 35 of 1,614,078 alleles (0.0022%); highest among the groups gnomAD compares: Admixed American, 0.022%; 1 homozygote.

Submission:

PreventionGenetics, part of Exact Sciences
Classification: Likely benign for THRB-related condition. Last evaluated: 2022-02-21. Review status: no assertion criteria provided. Collection method: clinical testing. Allele origin: germline.
Comment: This variant is classified as likely benign based on ACMG/AMP sequence variant interpretation guidelines (Richards et al. 2015 PMID: 25741868, with internal and published modifications).

NM_001354712.2(THRB):c.1047G>A (p.Val349=)

Gene: THRB (thyroid hormone receptor beta; minus strand). Cytogenetic location: 3p24.2.
Variant type: single nucleotide variant.
Coding change: c.1047G>A on transcript NM_001354712.2 (MANE Select); coding-DNA position 1047, G replaced by A.
Protein change: p.Val349=; no amino-acid change (valine 349 retained).
Molecular consequence: synonymous variant. On other transcripts: intron variant (1).
Genome position (GRCh38, 1-based): chr3:24,127,596, C>T on the plus strand (G>A on the coding strand, the complement: THRB is on the minus strand). VCF-style: chr3-24127596-C-T. GRCh37 (hg19) VCF-style: chr3-24169087-C-T.
Other names: c.1047G>A, p.Val349= (NM_000461.5, NM_001128176.3, NM_001128177.2 and 11 more transcripts); c.954G>A, p.Val318= (NM_001354714.2, NM_001354715.2); c.973+74G>A (NM_001374827.1).
Identifiers: ClinVar variation 3054053 (VCV003054053.2), dbSNP rs745984020, ClinGen allele CA2287133.